The following is an entry in ClinVar:

ClinVar aggregate classification (germline): Uncertain significance (1 of 4 stars; one submission).

Allele frequency attached by ClinVar (database versions not stated): gnomAD exomes below 0.00001.
gnomAD v4.1: 2 of 1,614,222 alleles (0.00012%); highest among the groups gnomAD compares: South Asian, 0.0011%; no homozygotes.

Submission:

Women's Health and Genetics/Laboratory Corporation of America, LabCorp
Classification: Uncertain significance. Last evaluated: 2024-03-08. Review status: criteria provided, single submitter. Criteria: LabCorp Variant Classification Summary - May 2015. Collection method: clinical testing. Allele origin: germline.
Comment: Variant summary: TGM6 c.407T>A (p.Phe136Tyr) results in a conservative amino acid change in the encoded protein sequence. Four of five in-silico tools predict a damaging effect of the variant on protein function. The variant was absent in 251490 control chromosomes. The available data on variant occurrences in the general population are insufficient to allow any conclusion about variant significance. To our knowledge, no occurrence of c.407T>A in individuals affected with Spinocerebellar Ataxia 35 and no experimental evidence demonstrating its impact on protein function have been reported. No submitters have cited clinical-significance assessments for this variant to ClinVar. Based on the evidence outlined above, the variant was classified as uncertain significance.

NM_198994.3(TGM6):c.407T>A (p.Phe136Tyr)

Gene: TGM6 (transglutaminase 6; plus strand). Cytogenetic location: 20p13.
Variant type: single nucleotide variant.
Coding change: c.407T>A on transcript NM_198994.3 (MANE Select); coding-DNA position 407, T replaced by A.
Protein change: p.Phe136Tyr; replaces phenylalanine 136 with tyrosine.
Molecular consequence: missense variant.
Genome position (GRCh38, 1-based): chr20:2,395,419, T>A. VCF-style: chr20-2395419-T-A. GRCh37 (hg19) VCF-style: chr20-2376065-T-A.
Other names: c.407T>A, p.Phe136Tyr (NM_001254734.2); short protein forms F136Y.
Identifiers: ClinVar variation 3233556 (VCV003233556.2), dbSNP rs2084658027, ClinGen allele CA408009550.